The following is an entry in ClinVar:

ClinVar aggregate classification (germline): Uncertain significance (0 of 4 stars; one submission).

Conditions:
MYH8-related disorder. Also called: MYH8-related condition.

Submission:

PreventionGenetics, part of Exact Sciences
Classification: Uncertain significance for MYH8-related condition. Last evaluated: 2023-11-27. Review status: no assertion criteria provided. Collection method: clinical testing. Allele origin: germline.
Comment: The MYH8 c.1659C>A variant is predicted to result in the amino acid substitution p.Asn553Lys. To our knowledge, this variant has not been reported in the literature or in a large population database, indicating this variant is rare. At this time, the clinical significance of this variant is uncertain due to the absence of conclusive functional and genetic evidence.

NM_002472.3(MYH8):c.1659C>A (p.Asn553Lys)

Genes: MYH8 (myosin heavy chain 8; minus strand), MYHAS (myosin heavy chain gene cluster antisense RNA; plus strand). Cytogenetic location: 17p13.1.
Variant type: single nucleotide variant.
Coding change: c.1659C>A on transcript NM_002472.3 (MANE Select); coding-DNA position 1659, C replaced by A.
Protein change: p.Asn553Lys; replaces asparagine 553 with lysine.
Molecular consequence: missense variant.
Genome position (GRCh38, 1-based): chr17:10,409,517, G>T on the plus strand (C>A on the coding strand, the complement: MYH8 is on the minus strand). VCF-style: chr17-10409517-G-T. GRCh37 (hg19) VCF-style: chr17-10312834-G-T.
Other names: short protein forms N553K.
Identifiers: ClinVar variation 3031986 (VCV003031986.2), dbSNP rs2508067992, ClinGen allele CA398123254.